The following is an entry in ClinVar:

NM_033380.3(COL4A5):c.3247-11C>A

Gene: COL4A5 (collagen type IV alpha 5 chain; plus strand). Cytogenetic location: Xq22.3.
Variant type: single nucleotide variant.
Coding change: c.3247-11C>A on transcript NM_033380.3 (MANE Select); 11 bases into the intron before coding-DNA position 3247, C replaced by A.
Molecular consequence: intron variant.
Genome position (GRCh38, 1-based): chrX:108,655,320, C>A. VCF-style: chrX-108655320-C-A. GRCh37 (hg19) VCF-style: chrX-107898550-C-A.
Other names: c.3247-11C>A (NM_000495.5).
Identifiers: ClinVar variation 1997940 (VCV001997940.4), dbSNP rs772364213, ClinGen allele CA2580100160.

ClinVar aggregate classification (germline): Uncertain significance (1 of 4 stars; one submission).

Submission:

Labcorp Genetics (formerly Invitae), Labcorp
Classification: Uncertain significance. Last evaluated: 2022-05-22. Review status: criteria provided, single submitter. Criteria: Invitae Variant Classification Sherloc (09022015). Collection method: clinical testing. Allele origin: germline.
Comment: In summary, the available evidence is currently insufficient to determine the role of this variant in disease. Therefore, it has been classified as a Variant of Uncertain Significance. Algorithms developed to predict the effect of sequence changes on RNA splicing suggest that this variant may disrupt the consensus splice site. This variant has not been reported in the literature in individuals affected with COL4A5-related conditions. This variant is not present in population databases (gnomAD no frequency). This sequence change falls in intron 36 of the COL4A5 gene. It does not directly change the encoded amino acid sequence of the COL4A5 protein.